The following is an entry in ClinVar:

ClinVar aggregate classification (germline): Conflicting classifications of pathogenicity. Review status: criteria provided, conflicting classifications (1 of 4 stars). 3 submissions from 3 submitters: Uncertain significance (2); Likely benign (1). Last evaluated 2024-04-23.

Conditions:
Hereditary breast ovarian cancer syndrome. Also called: Hereditary breast and ovarian cancer syndrome; Hereditary breast and ovarian cancer syndrome (HBOC); BRCA1- and BRCA2-Associated Hereditary Breast and Ovarian Cancer; Hereditary breast and/or ovarian cancer syndrome; Hereditary breast and ovarian cancer; Breast and ovarian cancer. Identifiers: Orphanet 145, MedGen C0677776, MeSH D061325, MONDO:0003582. Disease mechanism: loss of function.
Hereditary cancer-predisposing syndrome. Also called: Neoplastic Syndromes, Hereditary; Tumor predisposition; Hereditary neoplastic syndrome; Hereditary Cancer Syndrome. Identifiers: Orphanet 140162, MedGen C0027672, MeSH D009386, MONDO:0015356.

Submissions (3):

Labcorp Genetics (formerly Invitae), Labcorp
Classification: Uncertain significance for Hereditary breast ovarian cancer syndrome. Last evaluated: 2024-04-23. Review status: criteria provided, single submitter. Criteria: Invitae Variant Classification Sherloc (09022015). Collection method: clinical testing. Allele origin: germline.
Comment: This sequence change replaces glutamine, which is neutral and polar, with histidine, which is basic and polar, at codon 2024 of the BRCA2 protein (p.Gln2024His). This variant is not present in population databases (gnomAD no frequency). This variant has not been reported in the literature in individuals affected with BRCA2-related conditions. ClinVar contains an entry for this variant (Variation ID: 578768). Advanced modeling of protein sequence and biophysical properties (such as structural, functional, and spatial information, amino acid conservation, physicochemical variation, residue mobility, and thermodynamic stability) performed at Invitae indicates that this missense variant is not expected to disrupt BRCA2 protein function with a negative predictive value of 95%. In summary, the available evidence is currently insufficient to determine the role of this variant in disease. Therefore, it has been classified as a Variant of Uncertain Significance.

Ambry Genetics
Classification: Uncertain significance for Hereditary cancer-predisposing syndrome. Last evaluated: 2023-07-19. Review status: criteria provided, single submitter. Criteria: Ambry Variant Classification Scheme 2023. Collection method: clinical testing. Allele origin: germline.
Comment: The p.Q2024H variant (also known as c.6072G>T), located in coding exon 10 of the BRCA2 gene, results from a G to T substitution at nucleotide position 6072. The glutamine at codon 2024 is replaced by histidine, an amino acid with highly similar properties. This amino acid position is poorly conserved in available vertebrate species. In addition, this alteration is predicted to be tolerated by in silico analysis. Since supporting evidence is limited at this time, the clinical significance of this alteration remains unclear.

University of Washington Department of Laboratory Medicine, University of Washington
Classification: Likely benign for Hereditary cancer-predisposing syndrome. Last evaluated: 2023-03-23. Review status: criteria provided, single submitter. Criteria: Dines et al. (Genet Med. 2020). Collection method: curation. Allele origin: germline.
Comment: Missense variant in a coldspot region where missense variants are very unlikely to be pathogenic (PMID:31911673).

BRCA2 exon 11 coldspot. Reclassification based on statistical prior probability.

NM_000059.4(BRCA2):c.6072G>T (p.Gln2024His)

Gene: BRCA2 (BRCA2 DNA repair associated; plus strand). Cytogenetic location: 13q13.1.
Variant type: single nucleotide variant.
Coding change: c.6072G>T on transcript NM_000059.4 (MANE Select); coding-DNA position 6072, G replaced by T.
Protein change: p.Gln2024His; replaces glutamine 2024 with histidine.
Molecular consequence: missense variant.
Genome position (GRCh38, 1-based): chr13:32,340,427, G>T. VCF-style: chr13-32340427-G-T. GRCh37 (hg19) VCF-style: chr13-32914564-G-T.
Other names: short protein forms Q2024H.
Identifiers: ClinVar variation 578768 (VCV000578768.13), dbSNP rs1566233838, ClinGen allele CA387787977.